The following is an entry in ClinVar:

ClinVar aggregate classification (germline): Likely benign (1 of 4 stars; one submission).

Submission:

CeGaT Center for Human Genetics Tuebingen
Classification: Likely benign. Last evaluated: 2026-03-01. Review status: criteria provided, single submitter. Criteria: CeGaT Center For Human Genetics Tuebingen Variant Classification Criteria Version 2. Collection method: clinical testing. Allele origin: germline. Affected: yes. Observed: 1 variant allele.
Comment: KDM6B: BS2

NM_001348716.2(KDM6B):c.1538G>A (p.Arg513His)

Gene: KDM6B (lysine demethylase 6B; plus strand). Cytogenetic location: 17p13.1.
Variant type: single nucleotide variant.
Coding change: c.1538G>A on transcript NM_001348716.2 (MANE Select); coding-DNA position 1538, G replaced by A.
Protein change: p.Arg513His; replaces arginine 513 with histidine.
Molecular consequence: missense variant.
Genome position (GRCh38, 1-based): chr17:7,847,826, G>A. VCF-style: chr17-7847826-G-A. GRCh37 (hg19) VCF-style: chr17-7751144-G-A.
Other names: c.1538G>A, p.Arg513His (NM_001080424.2); short protein forms R513H.
Identifiers: ClinVar variation 4821962 (VCV004821962.4).